The following is an entry in ClinVar:

NM_015030.2(FRYL):c.3466G>T (p.Val1156Phe)

Gene: FRYL (FRY like transcription coactivator; minus strand). Cytogenetic location: 4p11.
Variant type: single nucleotide variant.
Coding change: c.3466G>T on transcript NM_015030.2 (MANE Select); coding-DNA position 3466, G replaced by T.
Protein change: p.Val1156Phe; replaces valine 1156 with phenylalanine.
Molecular consequence: missense variant.
Genome position (GRCh38, 1-based): chr4:48,564,078, C>A on the plus strand (G>T on the coding strand, the complement: FRYL is on the minus strand). VCF-style: chr4-48564078-C-A. GRCh37 (hg19) VCF-style: chr4-48566095-C-A.
Other names: short protein forms V1156F.
Identifiers: ClinVar variation 4975976 (VCV004975976.1).

ClinVar aggregate classification (germline): Uncertain significance (1 of 4 stars; one submission).

gnomAD v4.1: 2 of 1,614,152 alleles (0.00012%); highest among the groups gnomAD compares: African/African-American, 0.0027%; no homozygotes.

Submission:

GeneDx
Classification: Uncertain significance. Last evaluated: 2026-01-31. Review status: criteria provided, single submitter. Criteria: GeneDx Variant Classification Process June 2021. Collection method: clinical testing. Allele origin: germline.
Comment: Not observed at significant frequency in large population cohorts (gnomAD); In silico analysis supports that this missense variant has a deleterious effect on protein structure/function; Has not been previously published as pathogenic or benign to our knowledge